The following is an entry in ClinVar:

NM_015046.7(SETX):c.7406T>C (p.Leu2469Pro)

Gene: SETX (senataxin; minus strand). Cytogenetic location: 9q34.13.
Variant type: single nucleotide variant.
Coding change: c.7406T>C on transcript NM_015046.7 (MANE Select); coding-DNA position 7406, T replaced by C.
Protein change: p.Leu2469Pro; replaces leucine 2469 with proline.
Molecular consequence: missense variant.
Genome position (GRCh38, 1-based): chr9:132,264,867, A>G on the plus strand (T>C on the coding strand, the complement: SETX is on the minus strand). VCF-style: chr9-132264867-A-G. GRCh37 (hg19) VCF-style: chr9-135140254-A-G.
Other names: c.7406T>C, p.Leu2469Pro (NM_001351527.2); c.7493T>C, p.Leu2498Pro (NM_001351528.2); short protein forms L2469P, L2498P.
Identifiers: ClinVar variation 365343 (VCV000365343.31), dbSNP rs151304085, ClinGen allele CA5296398.

ClinVar aggregate classification (germline): Conflicting classifications of pathogenicity. Review status: criteria provided, conflicting classifications (1 of 4 stars). 5 submissions from 4 submitters: Uncertain significance (4); Likely benign (1). Last evaluated 2026-07-01.

Conditions:
Inborn genetic diseases. Identifiers: MedGen C0950123, MeSH D030342.
Spinocerebellar ataxia, autosomal recessive, with axonal neuropathy 2 (SCAN2). Also called: Ataxia-ocular apraxia-2; Ataxia with Oculomotor Apraxia; Ataxia with Oculomotor Apraxia Type 2; ATAXIA-OCULOMOTOR APRAXIA 2. Identifiers: Orphanet 64753, MedGen C1853761, MONDO:0018996, OMIM 606002.
Amyotrophic lateral sclerosis type 4 (ALS4). Also called: AMYOTROPHIC LATERAL SCLEROSIS 4, JUVENILE; NEURONOPATHY, DISTAL HEREDITARY MOTOR, WITH PYRAMIDAL FEATURES. Identifiers: Orphanet 357043, MedGen C1865409, MONDO:0011223, OMIM 602433.

Allele frequency attached by ClinVar (database versions not stated): ExAC 0.00002; gnomAD exomes 0.00002 and 0.00009; TOPMed 0.00003; gnomAD 0.00004 and 0.00005; ESP Exome Variant Server 0.00008.
gnomAD v4.1: 141 of 1,614,020 alleles (0.0087%); highest among the groups gnomAD compares: Non-Finnish European, 0.011%; no homozygotes.

Submissions (5):

CeGaT Center for Human Genetics Tuebingen
Classification: Uncertain significance. Last evaluated: 2026-07-01. Review status: criteria provided, single submitter. Criteria: CeGaT Center For Human Genetics Tuebingen Variant Classification Criteria Version 2. Collection method: clinical testing. Allele origin: germline. Affected: yes. Observed: 3 variant alleles.
Comment: SETX: PM2

Labcorp Genetics (formerly Invitae), Labcorp
Classification: Likely benign for Amyotrophic lateral sclerosis type 4; Spinocerebellar ataxia, autosomal recessive, with axonal neuropathy 2. Last evaluated: 2026-01-03. Review status: criteria provided, single submitter. Criteria: Invitae Variant Classification Sherloc (09022015). Collection method: clinical testing. Allele origin: germline.

Ambry Genetics
Classification: Uncertain significance for Inborn genetic diseases. Last evaluated: 2025-11-03. Review status: criteria provided, single submitter. Criteria: Ambry Variant Classification Scheme 2023. Collection method: clinical testing. Allele origin: germline.
Comment: The c.7406T>C (p.L2469P) alteration is located in exon 26 (coding exon 24) of the SETX gene. This alteration results from a T to C substitution at nucleotide position 7406, causing the leucine (L) at amino acid position 2469 to be replaced by a proline (P). The alteration has been observed in population databases: Based on data from the Genome Aggregation Database (gnomAD), the c.7406T>C alteration was observed in 0.0021% (6/282816) of total alleles studied, with a frequency of 0.0046% (6/129160) in the European (non-Finnish) subpopulation. This amino acid position is conserved in mammals. The alteration is predicted benign by in silico models: The p.L2469P alteration is predicted to be benign by Polyphen and tolerated by SIFT in silico analyses. Based on insufficient or conflicting evidence, the clinical significance of this alteration remains unclear.

Illumina Laboratory Services, Illumina
Classification: Uncertain significance for Amyotrophic lateral sclerosis type 4. Last evaluated: 2018-01-13. Review status: criteria provided, single submitter. Criteria: ICSL Variant Classification Criteria 13 December 2019. Collection method: clinical testing. Allele origin: germline.

Illumina Laboratory Services, Illumina
Classification: Uncertain significance for Spinocerebellar ataxia, autosomal recessive, with axonal neuropathy 2. Last evaluated: 2018-01-13. Review status: criteria provided, single submitter. Criteria: ICSL Variant Classification Criteria 13 December 2019. Collection method: clinical testing. Allele origin: germline.